The following is an entry in ClinVar:

ClinVar aggregate classification (germline): Uncertain significance (1 of 4 stars; one submission).

Conditions:
Christianson syndrome (MRXSCH). Also called: SLC9A6-Related Syndromic Mental Retardation; X-linked mental retardation, syndromic, Christianson type; INTELLECTUAL DEVELOPMENTAL DISORDER, X-LINKED, SYNDROMIC, CHRISTIANSON TYPE. Identifiers: Orphanet 85278, MedGen C2678194, MONDO:0010278, OMIM 300243.

Submission:

Labcorp Genetics (formerly Invitae), Labcorp
Classification: Uncertain significance for Christianson syndrome. Last evaluated: 2022-11-08. Review status: criteria provided, single submitter. Criteria: Invitae Variant Classification Sherloc (09022015). Collection method: clinical testing. Allele origin: germline.
Comment: In summary, the available evidence is currently insufficient to determine the role of this variant in disease. Therefore, it has been classified as a Variant of Uncertain Significance. Advanced modeling of protein sequence and biophysical properties (such as structural, functional, and spatial information, amino acid conservation, physicochemical variation, residue mobility, and thermodynamic stability) performed at Invitae indicates that this missense variant is not expected to disrupt SLC9A6 protein function. ClinVar contains an entry for this variant (Variation ID: 647660). This variant has not been reported in the literature in individuals affected with SLC9A6-related conditions. This variant is not present in population databases (gnomAD no frequency). This sequence change replaces phenylalanine, which is neutral and non-polar, with leucine, which is neutral and non-polar, at codon 151 of the SLC9A6 protein (p.Phe151Leu).

NM_001379110.1(SLC9A6):c.393T>G (p.Phe131Leu)

Gene: SLC9A6 (solute carrier family 9 member A6; plus strand). Cytogenetic location: Xq26.3.
Variant type: single nucleotide variant.
Coding change: c.393T>G on transcript NM_001379110.1 (MANE Select); coding-DNA position 393, T replaced by G.
Protein change: p.Phe131Leu; replaces phenylalanine 131 with leucine.
Molecular consequence: missense variant.
Genome position (GRCh38, 1-based): chrX:135,998,131, T>G. VCF-style: chrX-135998131-T-G. GRCh37 (hg19) VCF-style: chrX-135080290-T-G.
Other names: c.549T>G, p.Phe183Leu (NM_001042537.2); c.393T>G, p.Phe131Leu (NM_001177651.2); c.297T>G, p.Phe99Leu (NM_001330652.2); c.453T>G, p.Phe151Leu (NM_006359.3); short protein forms F183L, F131L, F151L, F99L.
Identifiers: ClinVar variation 647660 (VCV000647660.9), dbSNP rs1603198044, ClinGen allele CA414749744.